The following is an entry in ClinVar:

NM_001142800.2(EYS):c.2715_2716del (p.Cys905_Glu906delinsTer)

Gene: EYS (EGF-like photoreceptor maintenance factor; minus strand). Cytogenetic location: 6q12.
Variant type: Microsatellite.
Coding change: c.2715_2716del on transcript NM_001142800.2 (MANE Select); coding-DNA positions 2715 to 2716, 2 bases deleted (TG; older notation c.2715_2716delTG).
Protein change: p.Cys905_Glu906delinsTer.
Molecular consequence: nonsense.
Genome position (GRCh38, 1-based): chr6:64,902,426-64,902,427, CA deleted on the plus strand (TG on the coding strand, the reverse complement: EYS is on the minus strand); deleting any 2 consecutive bases within chr6:64,902,426-64,902,429 gives the same sequence; the c. name uses the placement nearest the transcript's 3' end. VCF-style (leftmost placement, unchanged base first): chr6-64902425-TCA-T. GRCh37 (hg19) VCF-style: chr6-65612318-TCA-T.
Other names: c.2715_2716del, p.Cys905_Glu906delinsTer (NM_001292009.2).
Identifiers: ClinVar variation 1354790 (VCV001354790.8), dbSNP rs2150071769, ClinGen allele CA2580617285.

ClinVar aggregate classification (germline): Pathogenic/Likely pathogenic. Review status: criteria provided, multiple submitters, no conflicts (2 of 4 stars). 3 submissions from 3 submitters: Pathogenic (1); Likely pathogenic (2). Last evaluated 2026-01-05.

Conditions:
Retinitis pigmentosa 25 (RP25). Identifiers: Orphanet 791, MedGen C1864446, MONDO:0011272, OMIM 602772.

Submissions (3):

First Genomix Gene Laboratory, Genetic Diagnostics Department
Classification: Likely pathogenic for Retinitis pigmentosa 25. Last evaluated: 2026-01-05. Review status: criteria provided, single submitter. Criteria: ACMG Guidelines, 2015. Collection method: clinical testing. Allele origin: germline. Inheritance: Autosomal recessive inheritance. Affected: no. Observed: 1 variant allele.

Baylor Genetics
Classification: Likely pathogenic for Retinitis pigmentosa 25. Last evaluated: 2023-10-25. Review status: criteria provided, single submitter. Criteria: ACMG Guidelines, 2015. Collection method: clinical testing. Allele origin: unknown.

Labcorp Genetics (formerly Invitae), Labcorp
Classification: Pathogenic. Last evaluated: 2021-08-16. Review status: criteria provided, single submitter. Criteria: Invitae Variant Classification Sherloc (09022015). Collection method: clinical testing. Allele origin: germline.
Comment: This variant is not present in population databases (ExAC no frequency). This variant has not been reported in the literature in individuals affected with EYS-related conditions. For these reasons, this variant has been classified as Pathogenic. This sequence change creates a premature translational stop signal (p.Cys905*) in the EYS gene. It is expected to result in an absent or disrupted protein product. Loss-of-function variants in EYS are known to be pathogenic (PMID: 18836446, 20333770).

Literature cited by the submitters: PubMed 18836446 (cited by Labcorp Genetics (formerly Invitae), Labcorp); PubMed 20333770 (cited by Labcorp Genetics (formerly Invitae), Labcorp).